The following is an entry in ClinVar:

NM_001369369.1(FOXN1):c.1554C>T (p.Thr518=)

Gene: FOXN1 (forkhead box N1; plus strand). Cytogenetic location: 17q11.2.
Variant type: single nucleotide variant.
Coding change: c.1554C>T on transcript NM_001369369.1 (MANE Select); coding-DNA position 1554, C replaced by T.
Protein change: p.Thr518=; no amino-acid change (threonine 518 retained).
Molecular consequence: synonymous variant.
Genome position (GRCh38, 1-based): chr17:28,535,125, C>T. VCF-style: chr17-28535125-C-T. GRCh37 (hg19) VCF-style: chr17-26862143-C-T.
Other names: c.1554C>T, p.Thr518= (NM_003593.3).
Identifiers: ClinVar variation 888886 (VCV000888886.13), dbSNP rs146694795, ClinGen allele CA8459558.
Genomic context (GRCh38, chr17:28,535,125, plus strand): 5'-ACCCAGCCACAGTGCCAAGCTACTGGCCGAGCCTTCCCCAGCCAGGACTATGCACGACAC[C>T]CTGCTGCCAGATGGAGACCTTGGCACTGACCTGGATGCCATCAATCCCTCACTCACTGAC-3'
Protein context (NP_001356298.1, residues 508-528): EPSPARTMHD[Thr518=]LLPDGDLGTD

ClinVar aggregate classification (germline): Conflicting classifications of pathogenicity. Review status: criteria provided, conflicting classifications (1 of 4 stars). 3 submissions from 3 submitters: Uncertain significance (1); Likely benign (1). 1 of the submissions does not count toward it. Last evaluated 2025-12-11.

Conditions:
FOXN1-related disorder. Also called: FOXN1-related condition.
T-cell immunodeficiency, congenital alopecia, and nail dystrophy. Also called: Congenital alopecia and nail dystrophy associated with severe functional T-cell immunodeficiency; Pignata Guarino syndrome. Identifiers: Orphanet 169095, MedGen C1866426, MONDO:0011132, OMIM 601705.

Allele frequency attached by ClinVar (database versions not stated): ExAC 0.00001; gnomAD 0.00001 and 0.00002; gnomAD exomes 0.00002 and 0.00007; TOPMed 0.00003; ESP Exome Variant Server 0.00008.
gnomAD v4.1: 100 of 1,609,312 alleles (0.0062%); highest among the groups gnomAD compares: Non-Finnish European, 0.0083%; no homozygotes.

Submissions (3):

Labcorp Genetics (formerly Invitae), Labcorp
Classification: Likely benign for T-cell immunodeficiency, congenital alopecia, and nail dystrophy. Last evaluated: 2025-12-11. Review status: criteria provided, single submitter. Criteria: Invitae Variant Classification Sherloc (09022015). Collection method: clinical testing. Allele origin: germline.

Illumina Laboratory Services, Illumina
Classification: Uncertain significance for T-cell immunodeficiency, congenital alopecia, and nail dystrophy. Last evaluated: 2018-01-13. Review status: criteria provided, single submitter. Criteria: ICSL Variant Classification Criteria 13 December 2019. Collection method: clinical testing. Allele origin: germline.

PreventionGenetics, part of Exact Sciences
Classification: Likely benign for FOXN1-related condition. Last evaluated: 2019-03-04. Review status: no assertion criteria provided. Collection method: clinical testing. Allele origin: germline. Not counted in ClinVar's aggregate classification.
Comment: This variant is classified as likely benign based on ACMG/AMP sequence variant interpretation guidelines (Richards et al. 2015 PMID: 25741868, with internal and published modifications).